The following is an entry in ClinVar:

ClinVar aggregate classification (germline): Pathogenic (1 of 4 stars; one submission).

Submission:

Labcorp Genetics (formerly Invitae), Labcorp
Classification: Pathogenic. Last evaluated: 2018-08-23. Review status: criteria provided, single submitter. Criteria: Invitae Variant Classification Sherloc (09022015). Collection method: clinical testing. Allele origin: germline.
Comment: This sequence change results in a premature translational stop signal in the NSD1 gene (p.Glu2564*). While this is not anticipated to result in nonsense mediated decay, it is expected to delete the last 132 amino acids of the NSD1 protein. This variant is not present in population databases (ExAC no frequency). For these reasons, this variant has been classified as Pathogenic.

NM_022455.5(NSD1):c.7690G>T (p.Glu2564Ter)

Gene: NSD1 (nuclear receptor binding SET domain protein 1; plus strand). Cytogenetic location: 5q35.3.
Variant type: single nucleotide variant.
Coding change: c.7690G>T on transcript NM_022455.5 (MANE Select); coding-DNA position 7690, G replaced by T.
Protein change: p.Glu2564Ter; replaces glutamic acid 2564 with a stop codon.
Molecular consequence: nonsense.
Genome position (GRCh38, 1-based): chr5:177,295,058, G>T. VCF-style: chr5-177295058-G-T. GRCh37 (hg19) VCF-style: chr5-176722059-G-T.
Other names: c.6817G>T, p.Glu2273Ter (NM_001365684.2, NM_001409308.1, NM_172349.5); c.7690G>T, p.Glu2564Ter (NM_001409301.1, NM_001409302.1, NM_001409303.1); c.7270G>T, p.Glu2424Ter (NM_001409304.1); c.6937G>T, p.Glu2313Ter (NM_001409305.1); c.6928G>T, p.Glu2310Ter (NM_001409306.1, NM_001409307.1); c.6568G>T, p.Glu2190Ter (NM_001409309.1); short protein forms E2564*, E2295*, E2424*, E2310*, E2190*, E2313*, E2273*.
Identifiers: ClinVar variation 579858 (VCV000579858.10), dbSNP rs749416834, ClinGen allele CA362334114.